The following is an entry in ClinVar:

ClinVar aggregate classification (germline): Uncertain significance (1 of 4 stars; one submission).

Conditions:
Hereditary cancer-predisposing syndrome. Also called: Neoplastic Syndromes, Hereditary; Hereditary Cancer Syndrome; Hereditary neoplastic syndrome; Tumor predisposition. Identifiers: Orphanet 140162, MedGen C0027672, MeSH D009386, MONDO:0015356.

Submission:

Ambry Genetics
Classification: Uncertain significance for Hereditary cancer-predisposing syndrome. Last evaluated: 2023-03-20. Review status: criteria provided, single submitter. Criteria: Ambry Variant Classification Scheme 2023. Collection method: clinical testing. Allele origin: germline.
Comment: The p.C61R variant (also known as c.181T>C), located in coding exon 1 of the TMEM127 gene, results from a T to C substitution at nucleotide position 181. The cysteine at codon 61 is replaced by arginine, an amino acid with highly dissimilar properties. This variant was reported as germline in a patient with papillary renal cell carcinoma; this individual's tumor harbored a TSC2 frameshift variant that was considered a potential driver mutation by the authors (Armaiz-Pena G et al. J Clin Endocrinol Metab, 2021 Jan;106:e350-e364). This amino acid position is highly conserved in available vertebrate species. In addition, this alteration is predicted to be deleterious by in silico analysis. Since supporting evidence is limited at this time, the clinical significance of this alteration remains unclear.

Literature cited by the submitters: PubMed 33051659.

NM_017849.4(TMEM127):c.181T>C (p.Cys61Arg)

Gene: TMEM127 (transmembrane protein 127; minus strand). Cytogenetic location: 2q11.2.
Variant type: single nucleotide variant.
Coding change: c.181T>C on transcript NM_017849.4 (MANE Select); coding-DNA position 181, T replaced by C.
Protein change: p.Cys61Arg; replaces cysteine 61 with arginine.
Molecular consequence: missense variant. On other transcripts: intron variant (1).
Genome position (GRCh38, 1-based): chr2:96,265,201, A>G on the plus strand (T>C on the coding strand, the complement: TMEM127 is on the minus strand). VCF-style: chr2-96265201-A-G. GRCh37 (hg19) VCF-style: chr2-96930939-A-G.
Other names: c.181T>C, p.Cys61Arg (NM_001193304.3); c.-9+668T>C (NM_001407283.1); short protein forms C61R.
Identifiers: ClinVar variation 2561612 (VCV002561612.2), dbSNP rs1684389727, ClinGen allele CA347655952.